The following is an entry in ClinVar:

ClinVar aggregate classification (germline): Likely benign (0 of 4 stars; one submission).

Conditions:
POLR1B-related disorder. Also called: POLR1B-related condition.

Allele frequency attached by ClinVar (database versions not stated): gnomAD 0.00002; TOPMed 0.00003; ExAC 0.00002.
gnomAD v4.1: 43 of 1,612,196 alleles (0.0027%); highest among the groups gnomAD compares: Admixed American, 0.0033%; no homozygotes.

Submission:

PreventionGenetics, part of Exact Sciences
Classification: Likely benign for POLR1B-related condition. Last evaluated: 2023-04-26. Review status: no assertion criteria provided. Collection method: clinical testing. Allele origin: germline.
Comment: This variant is classified as likely benign based on ACMG/AMP sequence variant interpretation guidelines (Richards et al. 2015 PMID: 25741868, with internal and published modifications).

NM_001282772.2(POLR1B):c.36G>A (p.Arg12=)

Genes: POLR1B (RNA polymerase I subunit B; plus strand), LOC129934585 (ATAC-STARR-seq lymphoblastoid active region 16393; plus strand). Cytogenetic location: 2q14.1.
Variant type: single nucleotide variant.
Coding change: c.36G>A on transcript NM_001282772.2; coding-DNA position 36, G replaced by A.
Protein change: p.Arg12=; no amino-acid change (arginine 12 retained).
Molecular consequence: synonymous variant.
Genome position (GRCh38, 1-based): chr2:112,542,416, G>A. VCF-style: chr2-112542416-G-A. GRCh37 (hg19) VCF-style: chr2-113299993-G-A.
Identifiers: ClinVar variation 3031450 (VCV003031450.2), dbSNP rs769542609, ClinGen allele CA1834691.